The following is an entry in ClinVar:

NM_000540.3(RYR1):c.9268G>A (p.Ala3090Thr)

Gene: RYR1 (ryanodine receptor 1; plus strand). Cytogenetic location: 19q13.2.
Variant type: single nucleotide variant.
Coding change: c.9268G>A on transcript NM_000540.3 (MANE Select); coding-DNA position 9268, G replaced by A.
Protein change: p.Ala3090Thr; replaces alanine 3090 with threonine.
Molecular consequence: missense variant.
Genome position (GRCh38, 1-based): chr19:38,512,279, G>A. VCF-style: chr19-38512279-G-A. GRCh37 (hg19) VCF-style: chr19-39002919-G-A.
Other names: NM_000540.3(RYR1):c.9268G>A; p.(Ala3090Thr); NM_001042723.2:c.9268G>A; c.9268G>A, p.Ala3090Thr (NM_001042723.2); short protein forms A3090T.
Identifiers: ClinVar variation 1330364 (VCV001330364.3), dbSNP rs2145662576, ClinGen allele CA405686237.

ClinVar aggregate classification (germline): Uncertain significance (3 of 4 stars; one submission).

Conditions:
Malignant hyperthermia of anesthesia. Also called: Anesthesic-triggered malignant hyperthermia. Identifiers: Orphanet 423, MedGen C0024591, MONDO:0018493, HP:0034733.

Allele frequency attached by ClinVar (database versions not stated): gnomAD exomes below 0.00001.
gnomAD v4.1: 1 of 1,614,248 alleles (0.000062%); highest among the groups gnomAD compares: Non-Finnish European, 0.000085%; no homozygotes.

Submission:

ClinGen Malignant Hyperthermia Susceptibility Variant Curation Expert Panel, ClinGen
Classification: Uncertain significance for Malignant hyperthermia of anesthesia. Last evaluated: 2025-08-01. Review status: reviewed by expert panel. Criteria: ClinGen MHS ACMG Specifications V2. Collection method: curation. Allele origin: germline. Inheritance: Autosomal dominant inheritance.
Comment: This pathogenicity assessment is relevant only for malignant hyperthermia susceptibility (MHS) inherited in an autosomal dominant pattern. Variants in RYR1 can also cause other myopathies inherited in an autosomal dominant pattern or in an autosomal recessive pattern. Some of these disorders may predispose individuals to malignant hyperthermia. RYR1 variants may also contribute to a malignant hyperthermia reaction in combination with other genetic and non-genetic factors and the clinician needs to consider such factors in making management decisions. This sequence variant predicts a substitution of alanine with threonine at codon 3090 of the RYR1 protein, p.(Ala3090Thr). This variant was not present in a large population database (gnomAD) at the time this variant was interpreted. This variant has been reported in an individual with a personal or family history of an MH episode and a positive in vitro contracture test (IVCT) or caffeine halothane contracture test (CHCT) result (if the proband was unavailable for testing, a positive diagnostic test result in a mutation-positive relative was counted), PS4_Supporting (PMID:30236257). No functional studies were identified for this variant. This variant does not reside in a hotspot for pathogenic variants that contribute to MHS. A REVEL score <0.5 (0.454) supports a benign status for this variant, BP4. This variant has been classified as a Variant of Uncertain Significance. Criteria implemented: PS4_Supporting, BP4.